The following is an entry in ClinVar:

ClinVar aggregate classification (germline): Benign/Likely benign. Review status: criteria provided, multiple submitters, no conflicts (2 of 4 stars). 26 submissions from 19 submitters: Benign (16); Likely benign (4). 6 of the submissions do not count toward it. Last evaluated 2026-02-03.

Conditions:
Cardiovascular phenotype. Identifiers: MedGen CN230736.
Dilated cardiomyopathy 1G (CMD1G). Identifiers: Orphanet 154, MedGen C1858763, MONDO:0011400, OMIM 604145.
Autosomal recessive limb-girdle muscular dystrophy type 2J (LGMDR10). Also called: MUSCULAR DYSTROPHY, LIMB-GIRDLE, AUTOSOMAL RECESSIVE 10; Limb-girdle muscular dystrophy, type 2J. Identifiers: Orphanet 140922, MedGen C1837342, MONDO:0012127, OMIM 608807.
Cardiomyopathy (CMYO). Also called: Cardiomyopathies. Identifiers: Orphanet 167848, MedGen C0878544, MONDO:0004994, HP:0001638. Inheritance: Various modes of inheritance.
Early-onset myopathy with fatal cardiomyopathy (CMYO5). Also called: CONGENITAL MYOPATHY 5 WITH CARDIOMYOPATHY; Salih Myopathy. Identifiers: Orphanet 289377, MedGen C2673677, MONDO:0012714, OMIM 611705. Disease mechanism: loss of function.
Myopathy, myofibrillar, 9, with early respiratory failure (MFM9). Also called: Myopathy, distal, with early respiratory failure, autosomal dominant; Hereditary myopathy with early respiratory failure; MYOPATHY, PROXIMAL, WITH EARLY RESPIRATORY MUSCLE INVOLVEMENT; EDSTROM MYOPATHY. Identifiers: Orphanet 178464, Orphanet 34521, MedGen C1863599, MONDO:0011362, OMIM 603689.
Tibial muscular dystrophy (TMD). Also called: Udd Distal Myopathy – Tibial Muscular Dystrophy; Tibial muscular dystrophy, tardive; UDD MYOPATHY. Identifiers: Orphanet 609, MedGen C1838244, MONDO:0010870, OMIM 600334.

Allele frequency attached by ClinVar (database versions not stated): ExAC 0.00320; ESP Exome Variant Server 0.01100; gnomAD 0.01060 and 0.01143; 1000 Genomes Project 0.01078; 1000 Genomes Project 30x 0.00984; TOPMed 0.01225.
gnomAD v4.1: 3,160 of 1,612,642 alleles (0.2%); highest among the groups gnomAD compares: African/African-American, 3.6%; 50 homozygotes.

Submissions (26):

Labcorp Genetics (formerly Invitae), Labcorp
Classification: Benign for Dilated cardiomyopathy 1G; Autosomal recessive limb-girdle muscular dystrophy type 2J. Last evaluated: 2026-02-03. Review status: criteria provided, single submitter. Criteria: Invitae Variant Classification Sherloc (09022015). Collection method: clinical testing. Allele origin: germline.

ARUP Laboratories, Molecular Genetics and Genomics, ARUP Laboratories
Classification: Benign. Last evaluated: 2025-06-25. Review status: criteria provided, single submitter. Criteria: ARUP Molecular Germline Variant Investigation Process 2024. Collection method: clinical testing. Allele origin: germline.

Blueprint Genetics
Classification: Likely benign. Last evaluated: 2024-11-01. Review status: criteria provided, single submitter. Criteria: ACMG Guidelines, 2015. Collection method: clinical testing. Allele origin: germline.

Mayo Clinic Laboratories, Mayo Clinic
Classification: Benign. Last evaluated: 2023-11-06. Review status: criteria provided, single submitter. Criteria: ACMG Guidelines, 2015. Collection method: clinical testing. Allele origin: germline. Observed: 21 variant alleles.

CHEO Genetics Diagnostic Laboratory, Children's Hospital of Eastern Ontario
Classification: Benign for Cardiomyopathy. Last evaluated: 2023-05-16. Review status: criteria provided, single submitter. Criteria: ACMG Guidelines, 2015. Collection method: clinical testing. Allele origin: germline. Study: Canadian Open Genetics Repository.

Genome-Nilou Lab
Classification: Benign for Autosomal recessive limb-girdle muscular dystrophy type 2J. Last evaluated: 2021-09-10. Review status: criteria provided, single submitter. Criteria: ACMG Guidelines, 2015. Collection method: clinical testing. Allele origin: germline. Affected: no.

Genome-Nilou Lab
Classification: Benign for Myopathy, myofibrillar, 9, with early respiratory failure. Last evaluated: 2021-09-10. Review status: criteria provided, single submitter. Criteria: ACMG Guidelines, 2015. Collection method: clinical testing. Allele origin: germline. Affected: no.

Genome-Nilou Lab
Classification: Benign for Early-onset myopathy with fatal cardiomyopathy. Last evaluated: 2021-09-10. Review status: criteria provided, single submitter. Criteria: ACMG Guidelines, 2015. Collection method: clinical testing. Allele origin: germline. Affected: no.

Genome-Nilou Lab
Classification: Benign for Tibial muscular dystrophy. Last evaluated: 2021-09-10. Review status: criteria provided, single submitter. Criteria: ACMG Guidelines, 2015. Collection method: clinical testing. Allele origin: germline. Affected: no.

Women's Health and Genetics/Laboratory Corporation of America, LabCorp
Classification: Benign. Last evaluated: 2020-02-01. Review status: criteria provided, single submitter. Criteria: LabCorp Variant Classification Summary - May 2015. Collection method: clinical testing. Allele origin: germline.

Athena Diagnostics
Classification: Benign. Last evaluated: 2019-05-10. Review status: criteria provided, single submitter. Criteria: Athena Diagnostics Criteria. Collection method: clinical testing. Allele origin: germline.

Illumina Laboratory Services, Illumina
Classification: Benign for Early-onset myopathy with fatal cardiomyopathy. Last evaluated: 2018-01-12. Review status: criteria provided, single submitter. Criteria: ICSL Variant Classification Criteria 13 December 2019. Collection method: clinical testing. Allele origin: germline.
Comment: This variant was observed in the ICSL laboratory as part of a predisposition screen in an ostensibly healthy population. It had not been previously curated by ICSL or reported in the Human Gene Mutation Database (HGMD: prior to June 1st, 2018), and was therefore a candidate for classification through an automated scoring system. Utilizing variant allele frequency, disease prevalence and penetrance estimates, and inheritance mode, an automated score was calculated to assess if this variant is too frequent to cause the disease. Based on the score and internal cut-off values, a variant classified as benign is not then subjected to further curation. The score for this variant resulted in a classification of benign for this disease.

Illumina Laboratory Services, Illumina
Classification: Likely benign for Autosomal recessive limb-girdle muscular dystrophy type 2J. Last evaluated: 2018-01-12. Review status: criteria provided, single submitter. Criteria: ICSL Variant Classification Criteria 13 December 2019. Collection method: clinical testing. Allele origin: germline.
Comment: This variant was observed in the ICSL laboratory as part of a predisposition screen in an ostensibly healthy population. It had not been previously curated by ICSL or reported in the Human Gene Mutation Database (HGMD: prior to June 1st, 2018), and was therefore a candidate for classification through an automated scoring system. Utilizing variant allele frequency, disease prevalence and penetrance estimates, and inheritance mode, an automated score was calculated to assess if this variant is too frequent to cause the disease. Based on the score and internal cut-off values, a variant classified as likely benign is not then subjected to further curation. The score for this variant resulted in a classification of likely benign for this disease.

Illumina Laboratory Services, Illumina
Classification: Benign for Tibial muscular dystrophy. Last evaluated: 2018-01-12. Review status: criteria provided, single submitter. Criteria: ICSL Variant Classification Criteria 13 December 2019. Collection method: clinical testing. Allele origin: germline.
Comment: the same text as in the submission from Illumina Laboratory Services, Illumina above.

Illumina Laboratory Services, Illumina
Classification: Benign for Myopathy, myofibrillar, 9, with early respiratory failure. Last evaluated: 2018-01-12. Review status: criteria provided, single submitter. Criteria: ICSL Variant Classification Criteria 13 December 2019. Collection method: clinical testing. Allele origin: germline.
Comment: the same text as in the submission from Illumina Laboratory Services, Illumina above.

Illumina Laboratory Services, Illumina
Classification: Likely benign for Dilated cardiomyopathy 1G. Last evaluated: 2018-01-12. Review status: criteria provided, single submitter. Criteria: ICSL Variant Classification Criteria 13 December 2019. Collection method: clinical testing. Allele origin: germline.
Comment: the same text as in the submission from Illumina Laboratory Services, Illumina above.

GeneDx
Classification: Benign. Last evaluated: 2014-03-21. Review status: criteria provided, single submitter. Criteria: GeneDx Variant Classification (06012015). Collection method: clinical testing. Allele origin: germline. Affected: yes.
Comment: This variant is considered likely benign or benign based on one or more of the following criteria: it is a conservative change, it occurs at a poorly conserved position in the protein, it is predicted to be benign by multiple in silico algorithms, and/or has population frequency not consistent with disease.

Ambry Genetics
Classification: Benign for Cardiovascular phenotype. Last evaluated: 2013-01-24. Review status: criteria provided, single submitter. Criteria: Ambry Autosomal Dominant and X-Linked criteria (10/2015). Collection method: clinical testing. Allele origin: germline. Observed: 1 variant allele.

Laboratory for Molecular Medicine, Mass General Brigham Personalized Medicine
Classification: Benign. Last evaluated: 2012-08-14. Review status: criteria provided, single submitter. Criteria: LMM Criteria. Collection method: clinical testing. Allele origin: germline. Observed: 19 variant alleles.
Comment: 3.4% (134/3972) of Afr Amer chrom from ESP

Breakthrough Genomics
Classification: Likely benign. Review status: criteria provided, single submitter. Criteria: ACMG Guidelines, 2015. Collection method: not provided. Allele origin: germline. Inheritance: Autosomal recessive inheritance. Affected: yes.

Clinical Genetics DNA and cytogenetics Diagnostics Lab, Erasmus MC, Erasmus Medical Center
Classification: Benign. Review status: no assertion criteria provided. Collection method: clinical testing. Allele origin: germline. Affected: yes. Study: VKGL Data-share Consensus. Not counted in ClinVar's aggregate classification.

Clinical Genetics, Academic Medical Center
Classification: Benign. Review status: no assertion criteria provided. Collection method: clinical testing. Allele origin: germline. Affected: yes. Study: VKGL Data-share Consensus. Not counted in ClinVar's aggregate classification.

Diagnostic Laboratory, Department of Genetics, University Medical Center Groningen
Classification: Likely benign. Review status: no assertion criteria provided. Collection method: clinical testing. Allele origin: germline. Affected: yes. Study: VKGL Data-share Consensus. Not counted in ClinVar's aggregate classification.

Genetic Services Laboratory, University of Chicago
Classification: Likely benign for AllHighlyPenetrant. Review status: no assertion criteria provided. Collection method: clinical testing. Allele origin: germline. Not counted in ClinVar's aggregate classification.
Comment: Likely benign based on allele frequency in 1000 Genomes Project or ESP global frequency and its presence in a patient with a rare or unrelated disease phenotype. NOT Sanger confirmed.

Genome Diagnostics Laboratory, University Medical Center Utrecht
Classification: Benign. Review status: no assertion criteria provided. Collection method: clinical testing. Allele origin: germline. Affected: yes. Study: VKGL Data-share Consensus. Not counted in ClinVar's aggregate classification.

Joint Genome Diagnostic Labs from Nijmegen and Maastricht, Radboudumc and MUMC+
Classification: Benign. Review status: no assertion criteria provided. Collection method: clinical testing. Allele origin: germline. Affected: yes. Study: VKGL Data-share Consensus. Not counted in ClinVar's aggregate classification.

NM_001267550.2(TTN):c.47400G>A (p.Lys15800=)

Genes: TTN-AS1 (TTN antisense RNA 1; plus strand), TTN (titin; minus strand). Cytogenetic location: 2q31.2.
Variant type: single nucleotide variant.
Coding change: c.47400G>A on transcript NM_001267550.2 (MANE Select); coding-DNA position 47400, G replaced by A.
Protein change: p.Lys15800=; no amino-acid change (lysine 15800 retained).
Molecular consequence: synonymous variant.
Genome position (GRCh38, 1-based): chr2:178,617,951, C>T on the plus strand (G>A on the coding strand, the complement: TTN is on the minus strand). VCF-style: chr2-178617951-C-T. GRCh37 (hg19) VCF-style: chr2-179482678-C-T.
Other names: p.K14159K:AAG>AAA; p.Lys13232=; c.42477G>A, p.Lys14159= (NM_001256850.1); c.20205G>A, p.Lys6735= (NM_003319.4); c.39696G>A, p.Lys13232= (NM_133378.4); c.20580G>A, p.Lys6860= (NM_133432.3); c.20781G>A, p.Lys6927= (NM_133437.4).
Identifiers: ClinVar variation 47011 (VCV000047011.45), dbSNP rs114145817, ClinGen allele CA283303.